The following is an entry in ClinVar:

ClinVar aggregate classification (germline): Uncertain significance (1 of 4 stars; one submission).

Conditions:
Kleefstra syndrome 1 (KLEFS1). Identifiers: Orphanet 261494, MedGen C0795833, MONDO:0027407, OMIM 610253.

gnomAD v4.1: 6 of 1,612,894 alleles (0.00037%); highest among the groups gnomAD compares: Non-Finnish European, 0.00042%; no homozygotes.

Submission:

Labcorp Genetics (formerly Invitae), Labcorp
Classification: Uncertain significance for Kleefstra syndrome 1. Last evaluated: 2025-10-21. Review status: criteria provided, single submitter. Criteria: Invitae Variant Classification Sherloc (09022015). Collection method: clinical testing. Allele origin: germline.
Comment: This sequence change replaces arginine, which is basic and polar, with lysine, which is basic and polar, at codon 138 of the EHMT1 protein (p.Arg138Lys). This variant is not present in population databases (gnomAD no frequency). This variant has not been reported in the literature in individuals affected with EHMT1-related conditions. An algorithm developed to predict the effect of missense changes on protein structure and function (PolyPhen-2) suggests that this variant is likely to be disruptive. In summary, the available evidence is currently insufficient to determine the role of this variant in disease. Therefore, it has been classified as a Variant of Uncertain Significance.

NM_024757.5(EHMT1):c.413G>A (p.Arg138Lys)

Gene: EHMT1 (euchromatic histone lysine methyltransferase 1; plus strand). Cytogenetic location: 9q34.3.
Variant type: single nucleotide variant.
Coding change: c.413G>A on transcript NM_024757.5 (MANE Select); coding-DNA position 413, G replaced by A.
Protein change: p.Arg138Lys; replaces arginine 138 with lysine.
Molecular consequence: missense variant.
Genome position (GRCh38, 1-based): chr9:137,716,953, G>A. VCF-style: chr9-137716953-G-A. GRCh37 (hg19) VCF-style: chr9-140611405-G-A.
Other names: c.413G>A, p.Arg138Lys (NM_001145527.2, NM_001354263.2, NM_001354611.2); c.320G>A, p.Arg107Lys (NM_001354259.2, NM_001354612.2); short protein forms R138K, R107K.
Identifiers: ClinVar variation 4769125 (VCV004769125.1).